The following is an entry in ClinVar:

ClinVar aggregate classification (germline): Uncertain significance (1 of 4 stars; one submission).

Conditions:
PLXNA4-related disorder. Also called: PLXNA4-related condition.

Submission:

PreventionGenetics, part of Exact Sciences
Classification: Uncertain significance for PLXNA4-related condition. Last evaluated: 2026-03-04. Review status: criteria provided, single submitter. Criteria: ACMG Guidelines, 2015. Collection method: clinical testing. Allele origin: germline.
Comment: The PLXNA4 c.4295C>T variant is predicted to result in the amino acid substitution p.Ser1432Leu. To our knowledge, this variant has not been reported in the literature or in a large population database (gnomAD), indicating this variant is rare. At this time, the clinical significance of this variant is uncertain due to the absence of conclusive functional and genetic evidence.

NM_020911.2(PLXNA4):c.4295C>T (p.Ser1432Leu)

Gene: PLXNA4 (plexin A4; minus strand). Cytogenetic location: 7q32.3.
Variant type: single nucleotide variant.
Coding change: c.4295C>T on transcript NM_020911.2 (MANE Select); coding-DNA position 4295, C replaced by T.
Protein change: p.Ser1432Leu; replaces serine 1432 with leucine.
Molecular consequence: missense variant.
Genome position (GRCh38, 1-based): chr7:132,165,192, G>A on the plus strand (C>T on the coding strand, the complement: PLXNA4 is on the minus strand). VCF-style: chr7-132165192-G-A. GRCh37 (hg19) VCF-style: chr7-131849951-G-A.
Other names: c.4295C>T, p.Ser1432Leu (NM_001393897.1); short protein forms S1432L.
Identifiers: ClinVar variation 5000514 (VCV005000514.1).